The following is an entry in ClinVar:

ClinVar aggregate classification (germline): Pathogenic (1 of 4 stars; one submission).

Conditions:
Primary ciliary dyskinesia 3. Identifiers: Orphanet 244, MedGen C1837618, MONDO:0012085, OMIM 608644.

Submission:

Myriad Genetics, Inc.
Classification: Pathogenic for Primary ciliary dyskinesia 3. Last evaluated: 2024-05-14. Review status: criteria provided, single submitter. Criteria: Myriad Autosomal Dominant, Autosomal Recessive and X-Linked Classification Criteria (2023). Collection method: clinical testing. Allele origin: unknown.
Comment: NM_001369.2(DNAH5):c.6086delG(G2029Vfs*25) is expected to be pathogenic in the context of primary ciliary dyskinesia, DNAH5-related. This variant is predicted to lead to an abnormal or absent protein product due to the creation of a premature termination codon in DNAH5, a gene where loss-of-function variants are known to be pathogenic. Please note: this variant was assessed in the context of healthy population screening.

NM_001369.3(DNAH5):c.6086del (p.Gly2029fs)

Gene: DNAH5 (dynein axonemal heavy chain 5; minus strand). Cytogenetic location: 5p15.2.
Variant type: Deletion.
Coding change: c.6086del on transcript NM_001369.3 (MANE Select); coding-DNA position 6086, one base deleted (G; older notation c.6086delG).
Protein change: p.Gly2029fs; shifts the reading frame from glycine 2029.
Molecular consequence: frameshift variant.
Genome position (GRCh38, 1-based): chr5:13,830,189, C deleted on the plus strand (G on the coding strand, the reverse complement: DNAH5 is on the minus strand); the first of 4 consecutive C bases (chr5:13,830,189-13,830,192); deleting any one gives the same sequence. VCF-style (leftmost placement, unchanged base first): chr5-13830188-AC-A. GRCh37 (hg19) VCF-style: chr5-13830297-AC-A.
Other names: short protein forms G2029fs.
Identifiers: ClinVar variation 5012390 (VCV005012390.1).
Genomic context (GRCh38, chr5:13,830,188, plus strand): 5'-AATTTGCTGGGCTGCAACCGAGAGAACTGGTAGATCAATACGGTTAAATTCATCAAAACA[AC>A]CCCAGGATCCAGACTGTGCCAGTCCTTCGAAAGGAAATTAAATGAAAAATCCAATTAGTA-3'